The following is an entry in ClinVar:

NM_003036.4(SKI):c.2040C>G (p.Asp680Glu)

Gene: SKI (SKI proto-oncogene; plus strand). Cytogenetic location: 1p36.32.
Variant type: single nucleotide variant.
Coding change: c.2040C>G on transcript NM_003036.4 (MANE Select); coding-DNA position 2040, C replaced by G.
Protein change: p.Asp680Glu; replaces aspartic acid 680 with glutamic acid.
Molecular consequence: missense variant.
Genome position (GRCh38, 1-based): chr1:2,306,618, C>G. VCF-style: chr1-2306618-C-G. GRCh37 (hg19) VCF-style: chr1-2238057-C-G.
Other names: short protein forms D680E.
Identifiers: ClinVar variation 1215755 (VCV001215755.11), dbSNP rs557791923, ClinGen allele CA337959612.

ClinVar aggregate classification (germline): Uncertain significance. Review status: criteria provided, multiple submitters, no conflicts (2 of 4 stars). 4 submissions from 4 submitters: Uncertain significance (4). Last evaluated 2026-01-05.

Conditions:
Familial thoracic aortic aneurysm and aortic dissection (TAAD). Also called: Thoracic aortic aneurysms and dissections. Identifiers: Orphanet 91387, MedGen C4707243, MONDO:0019625.
Shprintzen-Goldberg syndrome (SGS). Also called: SHPRINTZEN-GOLDBERG CRANIOSYNOSTOSIS SYNDROME; CRANIOSYNOSTOSIS WITH ARACHNODACTYLY AND ABDOMINAL HERNIAS; Marfanoid disorder with craniosynostosis type 1; Marfanoid craniosynostosis syndrome; Shprintzen-Goldberg marfanoid syndrome. Identifiers: Orphanet 2462, MedGen C1321551, MONDO:0008426, OMIM 182212.

Allele frequency attached by ClinVar (database versions not stated): gnomAD exomes 0.00001.
gnomAD v4.1: 18 of 1,544,756 alleles (0.0012%); highest among the groups gnomAD compares: Non-Finnish European, 0.0015%; no homozygotes.

Submissions (4):

Labcorp Genetics (formerly Invitae), Labcorp
Classification: Uncertain significance for Shprintzen-Goldberg syndrome. Last evaluated: 2026-01-05. Review status: criteria provided, single submitter. Criteria: Invitae Variant Classification Sherloc (09022015). Collection method: clinical testing. Allele origin: germline.
Comment: This sequence change replaces aspartic acid, which is acidic and polar, with glutamic acid, which is acidic and polar, at codon 680 of the SKI protein (p.Asp680Glu). This variant is present in population databases (no rsID available, gnomAD 0.002%). This variant has not been reported in the literature in individuals affected with SKI-related conditions. ClinVar contains an entry for this variant (Variation ID: 1215755). Invitae Evidence Modeling of protein sequence and biophysical properties (such as structural, functional, and spatial information, amino acid conservation, physicochemical variation, residue mobility, and thermodynamic stability) indicates that this missense variant is not expected to disrupt SKI protein function with a negative predictive value of 95%. In summary, the available evidence is currently insufficient to determine the role of this variant in disease. Therefore, it has been classified as a Variant of Uncertain Significance.

Fulgent Genetics
Classification: Uncertain significance for Shprintzen-Goldberg syndrome. Last evaluated: 2022-03-09. Review status: criteria provided, single submitter. Criteria: ACMG Guidelines, 2015. Collection method: clinical testing. Allele origin: unknown.

Ambry Genetics
Classification: Uncertain significance for Familial thoracic aortic aneurysm and aortic dissection. Last evaluated: 2021-07-12. Review status: criteria provided, single submitter. Criteria: Ambry Variant Classification Scheme 2023. Collection method: clinical testing. Allele origin: germline.
Comment: The p.D680E variant (also known as c.2040C>G), located in coding exon 7 of the SKI gene, results from a C to G substitution at nucleotide position 2040. The aspartic acid at codon 680 is replaced by glutamic acid, an amino acid with highly similar properties. This amino acid position is conserved. In addition, the in silico prediction for this alteration is inconclusive. Since supporting evidence is limited at this time, the clinical significance of this alteration remains unclear.

GeneDx
Classification: Uncertain significance. Last evaluated: 2021-04-14. Review status: criteria provided, single submitter. Criteria: GeneDx Variant Classification Process June 2021. Collection method: clinical testing. Allele origin: germline. Affected: yes.
Comment: Has not been previously published as pathogenic or benign to our knowledge; Not observed at a significant frequency in large population cohorts (Lek et al., 2016); In silico analysis supports that this missense variant does not alter protein structure/function